The following is an entry in ClinVar:

NM_033380.3(COL4A5):c.4706+1G>C

Gene: COL4A5 (collagen type IV alpha 5 chain; plus strand). Cytogenetic location: Xq22.3.
Variant type: single nucleotide variant.
Coding change: c.4706+1G>C on transcript NM_033380.3 (MANE Select); the canonical splice donor site of the intron after coding-DNA position 4706, G replaced by C.
Molecular consequence: splice donor variant.
Genome position (GRCh38, 1-based): chrX:108,692,926, G>C. VCF-style: chrX-108692926-G-C. GRCh37 (hg19) VCF-style: chrX-107936156-G-C.
Other names: c.4688+1G>C (NM_000495.5).
Identifiers: ClinVar variation 2838308 (VCV002838308.3), dbSNP rs1569508998, ClinGen allele CA414132375.
Genomic context (GRCh38, chrX:108,692,926, plus strand): 5'-GCCCATGCCAATGAGCATGCAACCCCTAAAGGGCCAGAGCATCCAGCCATTCATTAGTCG[G>C]TAAGGCATTGATTTAGCTGTGACTTTTACCAATCCCCAGTTAGTTAGCTAGTCAGATTTG-3'

ClinVar aggregate classification (germline): Pathogenic (1 of 4 stars; one submission).

Submission:

Labcorp Genetics (formerly Invitae), Labcorp
Classification: Pathogenic. Last evaluated: 2023-02-16. Review status: criteria provided, single submitter. Criteria: Invitae Variant Classification Sherloc (09022015). Collection method: clinical testing. Allele origin: germline.
Comment: For these reasons, this variant has been classified as Pathogenic. Algorithms developed to predict the effect of sequence changes on RNA splicing suggest that this variant may disrupt the consensus splice site. This sequence change affects a donor splice site in intron 48 of the COL4A5 gene. It is expected to disrupt RNA splicing. Variants that disrupt the donor or acceptor splice site typically lead to a loss of protein function (PMID: 16199547), and loss-of-function variants in COL4A5 are known to be pathogenic (PMID: 9195222, 10752524, 14514738, 24854265, 26809805). This variant is not present in population databases (gnomAD no frequency). Disruption of this splice site has been observed in individuals with Alport syndrome (PMID: 26809805, 29854973).

Literature cited by the submitters: PubMed 16199547; PubMed 9195222; PubMed 10752524; PubMed 14514738; PubMed 24854265; PubMed 26809805; PubMed 29854973.